The following is an entry in ClinVar:

NM_000051.4(ATM):c.7212C>A (p.Tyr2404Ter)

Genes: C11orf65 (chromosome 11 open reading frame 65; minus strand), ATM (ATM serine/threonine kinase; plus strand). Cytogenetic location: 11q22.3.
Variant type: single nucleotide variant.
Coding change: c.7212C>A on transcript NM_000051.4 (MANE Select); coding-DNA position 7212, C replaced by A.
Protein change: p.Tyr2404Ter; replaces tyrosine 2404 with a stop codon.
Molecular consequence: nonsense. On other transcripts: intron variant (2).
Genome position (GRCh38, 1-based): chr11:108,329,143, C>A. VCF-style: chr11-108329143-C-A. GRCh37 (hg19) VCF-style: chr11-108199870-C-A.
Other names: c.7212C>A, p.Tyr2404Ter (NM_001351834.2); c.641-20072G>T (NM_001330368.2); c.*38+6077G>T (NM_001351110.2); short protein forms Y2404*.
Identifiers: ClinVar variation 1757737 (VCV001757737.3), dbSNP rs1591151390, ClinGen allele CA382559642.

ClinVar aggregate classification (germline): Pathogenic (1 of 4 stars; one submission).

Conditions:
Hereditary cancer-predisposing syndrome. Also called: Hereditary neoplastic syndrome; Neoplastic Syndromes, Hereditary; Tumor predisposition; Hereditary Cancer Syndrome. Identifiers: Orphanet 140162, MedGen C0027672, MeSH D009386, MONDO:0015356.

Submission:

Ambry Genetics
Classification: Pathogenic for Hereditary cancer-predisposing syndrome. Last evaluated: 2025-04-09. Review status: criteria provided, single submitter. Criteria: Ambry Variant Classification Scheme 2023. Collection method: clinical testing. Allele origin: germline.
Comment: The p.Y2404* pathogenic mutation (also known as c.7212C>A), located in coding exon 48 of the ATM gene, results from a C to A substitution at nucleotide position 7212. This changes the amino acid from a tyrosine to a stop codon within coding exon 48. This variant is considered to be rare based on population cohorts in the Genome Aggregation Database (gnomAD). This alteration is expected to result in loss of function by premature protein truncation or nonsense-mediated mRNA decay. As such, this alteration is interpreted as a disease-causing mutation.